The following is an entry in ClinVar:

ClinVar aggregate classification (germline): Uncertain significance (1 of 4 stars; one submission).

Conditions:
Cardiovascular phenotype. Identifiers: MedGen CN230736.

Submission:

Ambry Genetics
Classification: Uncertain significance for Cardiovascular phenotype. Last evaluated: 2026-07-23. Review status: criteria provided, single submitter. Criteria: Ambry Variant Classification Scheme 2023. Collection method: clinical testing. Allele origin: germline.
Comment: The c.3166G>A (p.E1056K) alteration is located in exon 25 (coding exon 23) of the MYH7 gene. This alteration results from a G to A substitution at nucleotide position 3166, causing the glutamic acid (E) at amino acid position 1056 to be replaced by a lysine (K). This variant was not reported in population-based cohorts in the Genome Aggregation Database (gnomAD). Another variant at the same codon, c.3168G>C (p.E1056D), has been identified in individual(s) with features consistent with MYH7-related cardiomyopathy (Kassem, 2013; Ambry internal data). This amino acid position is highly conserved in available vertebrate species. This alteration is predicted to be deleterious by in silico analysis. Based on insufficient or conflicting evidence, the clinical significance of this alteration remains unclear.

Literature cited by the submitters: PubMed 23233322.

NM_000257.4(MYH7):c.3166G>A (p.Glu1056Lys)

Gene: MYH7 (myosin heavy chain 7; minus strand). Cytogenetic location: 14q11.2.
Variant type: single nucleotide variant.
Coding change: c.3166G>A on transcript NM_000257.4 (MANE Select); coding-DNA position 3166, G replaced by A.
Protein change: p.Glu1056Lys; replaces glutamic acid 1056 with lysine.
Molecular consequence: missense variant.
Genome position (GRCh38, 1-based): chr14:23,422,259, C>T on the plus strand (G>A on the coding strand, the complement: MYH7 is on the minus strand). VCF-style: chr14-23422259-C-T. GRCh37 (hg19) VCF-style: chr14-23891468-C-T.
Other names: c.3166G>A, p.Glu1056Lys (NM_001407004.1); short protein forms E1056K.
Identifiers: ClinVar variation 5025181 (VCV005025181.1).